The following is an entry in ClinVar:

NM_000038.6(APC):c.2446_2456del (p.Thr816fs)

Gene: APC (APC regulator of Wnt signaling pathway; plus strand). Cytogenetic location: 5q22.2.
Variant type: Deletion.
Coding change: c.2446_2456del on transcript NM_000038.6 (MANE Select); coding-DNA positions 2446 to 2456, 11 bases deleted (ACTGGCAACAT).
Protein change: p.Thr816fs; shifts the reading frame from threonine 816.
Molecular consequence: frameshift variant.
Genome position (GRCh38, 1-based): chr5:112,838,040-112,838,050, ACTGGCAACAT deleted; deleting any 11 consecutive bases within chr5:112,838,038-112,838,050 gives the same sequence; the c. name uses the placement nearest the transcript's 3' end. VCF-style (leftmost placement, unchanged base first): chr5-112838037-AATACTGGCAAC-A. GRCh37 (hg19) VCF-style: chr5-112173734-AATACTGGCAAC-A.
Other names: c.2446_2456del, p.Thr816fs (NM_001127510.3, NM_001354895.2); c.2392_2402del, p.Thr798fs (NM_001127511.3); c.2500_2510del, p.Thr834fs (NM_001354896.2); c.2476_2486del, p.Thr826fs (NM_001354897.2); c.2371_2381del, p.Thr791fs (NM_001354898.2); c.2362_2372del, p.Thr788fs (NM_001354899.2); c.2323_2333del, p.Thr775fs (NM_001354900.2); c.2269_2279del, p.Thr757fs (NM_001354901.2); and 5 more; short protein forms T533fs, T725fs, T788fs, T798fs, T816fs, T715fs, T757fs, T656fs.
Identifiers: ClinVar variation 1455642 (VCV001455642.6), dbSNP rs2149869619, ClinGen allele CA2573138923.

ClinVar aggregate classification (germline): Pathogenic (1 of 4 stars; one submission).

Conditions:
Familial adenomatous polyposis 1 (FAP1). Also called: POLYPOSIS, ADENOMATOUS INTESTINAL; FAMILIAL ADENOMATOUS POLYPOSIS 1, ATTENUATED. Identifiers: MedGen C2713442, MONDO:0021056, OMIM 175100. Disease mechanism: loss of function.

Submission:

Labcorp Genetics (formerly Invitae), Labcorp
Classification: Pathogenic for Familial adenomatous polyposis 1. Last evaluated: 2021-10-24. Review status: criteria provided, single submitter. Criteria: Invitae Variant Classification Sherloc (09022015). Collection method: clinical testing. Allele origin: germline.
Comment: This variant is expected to disrupt the EB1 and HDLG binding sites, which mediate interactions with the cytoskeleton (PMID: 15311282, 17293347). While functional studies have not been performed to directly test the effect on APC protein function, this suggests that disruption of the C-terminal portion of the protein is functionally important. For these reasons, this variant has been classified as Pathogenic. A different truncation (p.Tyr2645Lysfs*14) that lies downstream of this variant has been determined to be pathogenic (PMID: 9824584, 1316610, 27081525, 8381579, 22135120, Invitae). This suggests that deletion of this region of the APC protein is causative of disease. This variant has not been reported in the literature in individuals affected with APC-related conditions. This variant is not present in population databases (gnomAD no frequency). This sequence change creates a premature translational stop signal (p.Thr816Aspfs*24) in the APC gene. While this is not anticipated to result in nonsense mediated decay, it is expected to disrupt the last 2028 amino acid(s) of the APC protein.

Literature cited by the submitters: PubMed 15311282; PubMed 17293347; PubMed 9824584; PubMed 1316610; PubMed 27081525; PubMed 8381579; PubMed 22135120.